The following is an entry in ClinVar:

NM_001330260.2(SCN8A):c.928+9C>T

Gene: SCN8A (sodium voltage-gated channel alpha subunit 8; plus strand). Cytogenetic location: 12q13.13.
Variant type: single nucleotide variant.
Coding change: c.928+9C>T on transcript NM_001330260.2 (MANE Select); 9 bases into the intron after coding-DNA position 928, C replaced by T.
Molecular consequence: intron variant.
Genome position (GRCh38, 1-based): chr12:51,699,800, C>T. VCF-style: chr12-51699800-C-T. GRCh37 (hg19) VCF-style: chr12-52093584-C-T.
Other names: p.?; c.928+9C>T (NM_014191.4, NM_001177984.3, NM_001369788.1).
Identifiers: ClinVar variation 139068 (VCV000139068.18), dbSNP rs148027656, ClinGen allele CA207563.

ClinVar aggregate classification (germline): Benign/Likely benign. Review status: criteria provided, multiple submitters, no conflicts (2 of 4 stars). 6 submissions from 6 submitters: Benign (4); Likely benign (2). Last evaluated 2026-02-03.

Conditions:
Early-infantile DEE. Also called: Early infantile epileptic encephalopathy with suppression bursts; Ohtahara syndrome; Early infantile epileptic encephalopathy. Identifiers: Orphanet 1934, MedGen C0393706, MONDO:0800491.

Allele frequency attached by ClinVar (database versions not stated): gnomAD exomes 0.00092; ExAC 0.00153; gnomAD 0.00371 and 0.00397; ESP Exome Variant Server 0.00402; TOPMed 0.00447; 1000 Genomes Project 0.00479; 1000 Genomes Project 30x 0.00484.
gnomAD v4.1: 1,099 of 1,600,740 alleles (0.069%); highest among the groups gnomAD compares: African/African-American, 1.3%; 5 homozygotes.

Submissions (6):

Labcorp Genetics (formerly Invitae), Labcorp
Classification: Benign for Early-infantile DEE. Last evaluated: 2026-02-03. Review status: criteria provided, single submitter. Criteria: Invitae Variant Classification Sherloc (09022015). Collection method: clinical testing. Allele origin: germline.

Mayo Clinic Laboratories, Mayo Clinic
Classification: Benign. Last evaluated: 2025-01-13. Review status: criteria provided, single submitter. Criteria: ACMG Guidelines, 2015. Collection method: clinical testing. Allele origin: germline. Observed: 3 variant alleles.
Comment: BS1, BS2, BP4, BP7

Athena Diagnostics
Classification: Benign. Last evaluated: 2016-11-23. Review status: criteria provided, single submitter. Criteria: Athena Diagnostics Criteria. Collection method: clinical testing. Allele origin: germline.

Genetic Services Laboratory, University of Chicago
Classification: Likely benign. Last evaluated: 2014-04-21. Review status: criteria provided, single submitter. Criteria: ACMG Guidelines, 2007. Collection method: clinical testing. Allele origin: germline.

GeneDx
Classification: Benign. Last evaluated: 2014-03-12. Review status: criteria provided, single submitter. Criteria: GeneDx Variant Classification (06012015). Collection method: clinical testing. Allele origin: germline. Affected: yes.
Comment: This variant is considered likely benign or benign based on one or more of the following criteria: it is a conservative change, it occurs at a poorly conserved position in the protein, it is predicted to be benign by multiple in silico algorithms, and/or has population frequency not consistent with disease.

Breakthrough Genomics
Classification: Likely benign. Review status: criteria provided, single submitter. Criteria: ACMG Guidelines, 2015. Collection method: not provided. Allele origin: germline. Inheritance: Autosomal dominant inheritance. Affected: yes.